The following is an entry in ClinVar:

ClinVar aggregate classification (germline): Uncertain significance. Review status: criteria provided, multiple submitters, no conflicts (2 of 4 stars). 2 submissions from 2 submitters: Uncertain significance (2). Last evaluated 2022-09-01.

Conditions:
Muscular dystrophy-dystroglycanopathy (congenital with brain and eye anomalies), type A2. Also called: WALKER-WARBURG SYNDROME OR MUSCLE-EYE-BRAIN DISEASE, POMT2-RELATED; MUSCULAR DYSTROPHY-DYSTROGLYCANOPATHY (CONGENITAL WITH BRAIN AND EYE ANOMALIES), TYPE A, 2. Identifiers: Orphanet 588, Orphanet 899, MedGen C3150411, MONDO:0013154, OMIM 613150.
Muscular dystrophy-dystroglycanopathy (congenital with impaired intellectual development), type B, 2. Also called: Muscular dystrophy-dystroglycanopathy (congenital with intellectual disability), type B2; MUSCULAR DYSTROPHY, CONGENITAL, POMT2-RELATED. Identifiers: MedGen C3150416, MONDO:0013160, OMIM 613156.
Autosomal recessive limb-girdle muscular dystrophy type 2N. Also called: MUSCULAR DYSTROPHY-DYSTROGLYCANOPATHY, LIMB-GIRDLE, POMT2-RELATED; Muscular dystrophy-dystroglycanopathy (limb-girdle), type C, 2. Identifiers: Orphanet 206559, MedGen C3150418, MONDO:0013162, OMIM 613158.

Allele frequency attached by ClinVar (database versions not stated): TOPMed 0.00001.

Submissions (2):

Labcorp Genetics (formerly Invitae), Labcorp
Classification: Uncertain significance for Muscular dystrophy-dystroglycanopathy (congenital with impaired intellectual development), type B, 2; Muscular dystrophy-dystroglycanopathy (congenital with brain and eye anomalies), type A2; Autosomal recessive limb-girdle muscular dystrophy type 2N. Last evaluated: 2022-09-01. Review status: criteria provided, single submitter. Criteria: Invitae Variant Classification Sherloc (09022015). Collection method: clinical testing. Allele origin: germline.
Comment: This sequence change replaces arginine, which is basic and polar, with glutamine, which is neutral and polar, at codon 17 of the POMT2 protein (p.Arg17Gln). This variant is present in population databases (rs753326186, gnomAD 0.02%). This variant has not been reported in the literature in individuals affected with POMT2-related conditions. ClinVar contains an entry for this variant (Variation ID: 648610). Algorithms developed to predict the effect of missense changes on protein structure and function are either unavailable or do not agree on the potential impact of this missense change (SIFT: "Tolerated"; PolyPhen-2: "Probably Damaging"; Align-GVGD: "Class C0"). Algorithms developed to predict the effect of sequence changes on RNA splicing suggest that this variant may create or strengthen a splice site. In summary, the available evidence is currently insufficient to determine the role of this variant in disease. Therefore, it has been classified as a Variant of Uncertain Significance.

Revvity Omics, Revvity
Classification: Uncertain significance. Last evaluated: 2019-03-21. Review status: criteria provided, single submitter. Criteria: ACMG Guidelines, 2015. Collection method: clinical testing. Allele origin: germline.

NM_013382.7(POMT2):c.50G>A (p.Arg17Gln)

Gene: POMT2 (protein O-mannosyltransferase 2; minus strand). Cytogenetic location: 14q24.3.
Variant type: single nucleotide variant.
Coding change: c.50G>A on transcript NM_013382.7 (MANE Select); coding-DNA position 50, G replaced by A.
Protein change: p.Arg17Gln; replaces arginine 17 with glutamine.
Molecular consequence: missense variant.
Genome position (GRCh38, 1-based): chr14:77,320,632, C>T on the plus strand (G>A on the coding strand, the complement: POMT2 is on the minus strand). VCF-style: chr14-77320632-C-T. GRCh37 (hg19) VCF-style: chr14-77786975-C-T.
Other names: short protein forms R17Q.
Identifiers: ClinVar variation 648610 (VCV000648610.11), dbSNP rs753326186, ClinGen allele CA7286292.